The following is an entry in ClinVar:

NM_198253.3(TERT):c.2181G>T (p.Glu727Asp)

Gene: TERT (telomerase reverse transcriptase; minus strand). Cytogenetic location: 5p15.33.
Variant type: single nucleotide variant.
Coding change: c.2181G>T on transcript NM_198253.3 (MANE Select); coding-DNA position 2181, G replaced by T.
Protein change: p.Glu727Asp; replaces glutamic acid 727 with aspartic acid.
Molecular consequence: missense variant. On other transcripts: non-coding transcript variant (2).
Genome position (GRCh38, 1-based): chr5:1,278,746, C>A on the plus strand (G>T on the coding strand, the complement: TERT is on the minus strand). VCF-style: chr5-1278746-C-A. GRCh37 (hg19) VCF-style: chr5-1278861-C-A.
Other names: c.2181G>T, p.Glu727Asp (NM_001193376.3, NM_003219.1); short protein forms E727D.
Identifiers: ClinVar variation 1714057 (VCV001714057.7), dbSNP rs1179672615, ClinGen allele CA359079531.

ClinVar aggregate classification (germline): Uncertain significance. Review status: criteria provided, multiple submitters, no conflicts (2 of 4 stars). 2 submissions from 2 submitters: Uncertain significance (2). Last evaluated 2024-01-11.

Conditions:
Dyskeratosis congenita, autosomal dominant 2. Identifiers: MedGen C3151443, MONDO:0013521, OMIM 613989.
Idiopathic Pulmonary Fibrosis. Also called: Idiopathic fibrosing alveolitis, chronic form; idiopathic fibrosing alveolitis. Identifiers: Orphanet 2032, MedGen C1800706, MeSH D054990, MONDO:0800504.
Dyskeratosis congenita. Identifiers: Orphanet 1775, MedGen C0265965, MONDO:0015780.

Submissions (2):

Ambry Genetics
Classification: Uncertain significance for Dyskeratosis congenita. Last evaluated: 2024-01-11. Review status: criteria provided, single submitter. Criteria: Ambry Variant Classification Scheme 2023. Collection method: clinical testing. Allele origin: germline.
Comment: The p.E727D variant (also known as c.2181G>T), located in coding exon 6 of the TERT gene, results from a G to T substitution at nucleotide position 2181. The glutamic acid at codon 727 is replaced by aspartic acid, an amino acid with highly similar properties. This amino acid position is conserved. In addition, the in silico prediction for this alteration is inconclusive. Since supporting evidence is limited at this time, the clinical significance of this alteration remains unclear.

Labcorp Genetics (formerly Invitae), Labcorp
Classification: Uncertain significance for Dyskeratosis congenita, autosomal dominant 2; Idiopathic Pulmonary Fibrosis. Last evaluated: 2022-12-20. Review status: criteria provided, single submitter. Criteria: Invitae Variant Classification Sherloc (09022015). Collection method: clinical testing. Allele origin: germline.
Comment: Algorithms developed to predict the effect of missense changes on protein structure and function output the following: SIFT: "Deleterious"; PolyPhen-2: "Possibly Damaging"; Align-GVGD: "Class C0". The aspartic acid amino acid residue is found in multiple mammalian species, which suggests that this missense change does not adversely affect protein function. In summary, the available evidence is currently insufficient to determine the role of this variant in disease. Therefore, it has been classified as a Variant of Uncertain Significance. ClinVar contains an entry for this variant (Variation ID: 1714057). This variant has not been reported in the literature in individuals affected with TERT-related conditions. This variant is not present in population databases (gnomAD no frequency). This sequence change replaces glutamic acid, which is acidic and polar, with aspartic acid, which is acidic and polar, at codon 727 of the TERT protein (p.Glu727Asp).